The following is an entry in ClinVar:

ClinVar aggregate classification (germline): Benign. Review status: criteria provided, multiple submitters, no conflicts (2 of 4 stars). 2 submissions from 2 submitters: Benign (2). Last evaluated 2018-07-13.

Allele frequency attached by ClinVar (database versions not stated): 1000 Genomes Project 0.02276; 1000 Genomes Project 30x 0.02327; TOPMed 0.03821; gnomAD 0.04506 and 0.04585; gnomAD exomes 0.04919; ESP Exome Variant Server 0.04963; ExAC 0.04992.
gnomAD v4.1: 92,358 of 1,613,034 alleles (5.7%); highest among the groups gnomAD compares: Non-Finnish European, 6.4%; 3,014 homozygotes.

Submissions (2):

GeneDx
Classification: Benign. Last evaluated: 2018-07-13. Review status: criteria provided, single submitter. Criteria: GeneDx Variant Classification Process June 2021. Collection method: clinical testing. Allele origin: germline. Affected: yes.
Comment: This variant is associated with the following publications: (PMID: 29668297, 29083408, 29632382)

Breakthrough Genomics
Classification: Benign. Review status: criteria provided, single submitter. Criteria: ACMG Guidelines, 2015. Collection method: not provided. Allele origin: germline. Inheritance: Autosomal recessive inheritance. Affected: yes.

NM_000932.5(PLCB3):c.2534C>T (p.Ser845Leu)

Gene: PLCB3 (phospholipase C beta 3; plus strand). Cytogenetic location: 11q13.1.
Variant type: single nucleotide variant.
Coding change: c.2534C>T on transcript NM_000932.5 (MANE Select); coding-DNA position 2534, C replaced by T.
Protein change: p.Ser845Leu; replaces serine 845 with leucine.
Molecular consequence: missense variant.
Genome position (GRCh38, 1-based): chr11:64,263,769, C>T. VCF-style: chr11-64263769-C-T. GRCh37 (hg19) VCF-style: chr11-64031241-C-T.
Other names: c.2333C>T, p.Ser778Leu (NM_001184883.2); c.2534C>T, p.Ser845Leu (NM_001316314.3); short protein forms S778L, S845L.
Identifiers: ClinVar variation 1246224 (VCV001246224.3), dbSNP rs35169799, ClinGen allele CA6071800.